The following is an entry in ClinVar:

NM_032977.4(CASP10):c.1197G>T (p.Gln399His)

Gene: CASP10 (caspase 10; plus strand). Cytogenetic location: 2q33.1.
Variant type: single nucleotide variant.
Coding change: c.1197G>T on transcript NM_032977.4 (MANE Select); coding-DNA position 1197, G replaced by T.
Protein change: p.Gln399His; replaces glutamine 399 with histidine.
Molecular consequence: missense variant. On other transcripts: 3 prime UTR variant (1).
Genome position (GRCh38, 1-based): chr2:201,209,344, G>T. VCF-style: chr2-201209344-G-T. GRCh37 (hg19) VCF-style: chr2-202074067-G-T.
Other names: c.996G>T, p.Gln332His (NM_001206524.2); c.1068G>T, p.Gln356His (NM_001206542.2, NM_001230.5); c.1197G>T, p.Gln399His (NM_032974.5); c.*283G>T (NM_032976.4); short protein forms Q399H, Q356H, Q332H.
Identifiers: ClinVar variation 582472 (VCV000582472.11), dbSNP rs199626441, ClinGen allele CA350292034.

ClinVar aggregate classification (germline): Uncertain significance. Review status: criteria provided, multiple submitters, no conflicts (2 of 4 stars). 2 submissions from 2 submitters: Uncertain significance (2). Last evaluated 2025-05-13.

Conditions:
Autoimmune lymphoproliferative syndrome type 2A (ALPS2A). Also called: Autoimmune lymphoproliferative syndrome type 2; AUTOIMMUNE LYMPHOPROLIFERATIVE SYNDROME, TYPE IIA; CASP10-Related Autoimmune Lymphoproliferative Syndrome. Identifiers: Orphanet 3261, MedGen C1858968, MONDO:0011383, OMIM 603909.

Allele frequency attached by ClinVar (database versions not stated): gnomAD exomes below 0.00001; TOPMed below 0.00001; gnomAD 0.00001.
gnomAD v4.1: 7 of 1,613,958 alleles (0.00043%); highest among the groups gnomAD compares: African/African-American, 0.0013%; no homozygotes.

Submissions (2):

Labcorp Genetics (formerly Invitae), Labcorp
Classification: Uncertain significance for Autoimmune lymphoproliferative syndrome type 2A. Last evaluated: 2025-05-13. Review status: criteria provided, single submitter. Criteria: Invitae Variant Classification Sherloc (09022015). Collection method: clinical testing. Allele origin: germline.
Comment: This sequence change replaces glutamine, which is neutral and polar, with histidine, which is basic and polar, at codon 399 of the CASP10 protein (p.Gln399His). This variant is present in population databases (no rsID available, gnomAD 0.0009%). This variant has not been reported in the literature in individuals affected with CASP10-related conditions. ClinVar contains an entry for this variant (Variation ID: 582472). Invitae Evidence Modeling of protein sequence and biophysical properties (such as structural, functional, and spatial information, amino acid conservation, physicochemical variation, residue mobility, and thermodynamic stability) indicates that this missense variant is expected to disrupt CASP10 protein function with a positive predictive value of 80%. In summary, the available evidence is currently insufficient to determine the role of this variant in disease. Therefore, it has been classified as a Variant of Uncertain Significance.

Genomic Medicine Center of Excellence, King Faisal Specialist Hospital and Research Centre
Classification: Uncertain significance for Autoimmune lymphoproliferative syndrome type 2A. Last evaluated: 2024-09-22. Review status: criteria provided, single submitter. Criteria: ACMG Guidelines, 2015. Collection method: clinical testing. Allele origin: germline.